The following is an entry in ClinVar:

NM_001379500.1(COL18A1):c.2059G>A (p.Gly687Arg)

Gene: COL18A1 (collagen type XVIII alpha 1 chain; plus strand). Cytogenetic location: 21q22.3.
Variant type: single nucleotide variant.
Coding change: c.2059G>A on transcript NM_001379500.1 (MANE Select); coding-DNA position 2059, G replaced by A.
Protein change: p.Gly687Arg; replaces glycine 687 with arginine.
Molecular consequence: missense variant.
Genome position (GRCh38, 1-based): chr21:45,490,863, G>A. VCF-style: chr21-45490863-G-A. GRCh37 (hg19) VCF-style: chr21-46910777-G-A.
Other names: c.2599G>A, p.Gly867Arg (NM_030582.4); c.3304G>A, p.Gly1102Arg (NM_130444.3); short protein forms G1102R, G687R, G867R.
Identifiers: ClinVar variation 2128259 (VCV002128259.4), dbSNP rs2517681301, ClinGen allele CA410496905.
Genomic context (GRCh38, chr21:45,490,863, plus strand): 5'-TGGTGATGAACCATTTCCTTCCTGTCTCTCCAGGGGCCAAAGGGAGACAGAGGCAGCCGG[G>A]GAGAAAAGGTGAGTGTCCCTGGGGCGGGTGGATGGGGATGGGGGGCGCTGGGACATCCCA-3'
Protein context (NP_001366429.1, residues 677-697): QGPKGDRGSR[Gly687Arg]EKGDPGKDGV

ClinVar aggregate classification (germline): Uncertain significance (1 of 4 stars; one submission).

Submission:

Labcorp Genetics (formerly Invitae), Labcorp
Classification: Uncertain significance. Last evaluated: 2023-07-10. Review status: criteria provided, single submitter. Criteria: Invitae Variant Classification Sherloc (09022015). Collection method: clinical testing. Allele origin: germline.
Comment: In summary, the available evidence is currently insufficient to determine the role of this variant in disease. Therefore, it has been classified as a Variant of Uncertain Significance. Experimental studies and prediction algorithms are not available or were not evaluated, and the functional significance of this variant is currently unknown. ClinVar contains an entry for this variant (Variation ID: 2128259). This variant has not been reported in the literature in individuals affected with COL18A1-related conditions. This variant is not present in population databases (gnomAD no frequency). This sequence change replaces glycine, which is neutral and non-polar, with arginine, which is basic and polar, at codon 687 of the COL18A1 protein (p.Gly687Arg).